The following is an entry in ClinVar:

ClinVar aggregate classification (germline): Uncertain significance. Review status: criteria provided, multiple submitters, no conflicts (2 of 4 stars). 2 submissions from 2 submitters: Uncertain significance (2). Last evaluated 2025-10-08.

Conditions:
Joubert syndrome 23 (JBTS23). Identifiers: Orphanet 475, MedGen C4084822, MONDO:0014664, OMIM 616490.
Short-rib thoracic dysplasia 14 with polydactyly (SRTD14). Identifiers: Orphanet 397715, MedGen C4225286, MONDO:0014688, OMIM 616546.
Inborn genetic diseases. Identifiers: MedGen C0950123, MeSH D030342.

gnomAD v4.1: 1 of 1,613,332 alleles (0.000062%); highest among the groups gnomAD compares: South Asian, 0.0011%; no homozygotes.

Submissions (2):

Ambry Genetics
Classification: Uncertain significance for Inborn genetic diseases. Last evaluated: 2025-10-08. Review status: criteria provided, single submitter. Criteria: Ambry Variant Classification Scheme 2023. Collection method: clinical testing. Allele origin: germline.

Labcorp Genetics (formerly Invitae), Labcorp
Classification: Uncertain significance for Joubert syndrome 23; Short-rib thoracic dysplasia 14 with polydactyly. Last evaluated: 2021-11-26. Review status: criteria provided, single submitter. Criteria: Invitae Variant Classification Sherloc (09022015). Collection method: clinical testing. Allele origin: germline.
Comment: This sequence change replaces leucine, which is neutral and non-polar, with phenylalanine, which is neutral and non-polar, at codon 1186 of the KIAA0586 protein (p.Leu1186Phe). This variant is not present in population databases (gnomAD no frequency). This variant has not been reported in the literature in individuals affected with KIAA0586-related conditions. Algorithms developed to predict the effect of missense changes on protein structure and function (SIFT, PolyPhen-2, Align-GVGD) all suggest that this variant is likely to be tolerated. In summary, the available evidence is currently insufficient to determine the role of this variant in disease. Therefore, it has been classified as a Variant of Uncertain Significance.

NM_001329943.3(KIAA0586):c.3399G>T (p.Leu1133Phe)

Gene: KIAA0586 (KIAA0586; plus strand). Cytogenetic location: 14q23.1.
Variant type: single nucleotide variant.
Coding change: c.3399G>T on transcript NM_001329943.3 (MANE Select); coding-DNA position 3399, G replaced by T.
Protein change: p.Leu1133Phe; replaces leucine 1133 with phenylalanine.
Molecular consequence: missense variant.
Genome position (GRCh38, 1-based): chr14:58,487,981, G>T. VCF-style: chr14-58487981-G-T. GRCh37 (hg19) VCF-style: chr14-58954699-G-T.
Other names: c.3558G>T, p.Leu1186Phe (NM_001244189.2); c.3354G>T, p.Leu1118Phe (NM_001244190.2); c.3144G>T, p.Leu1048Phe (NM_001244191.2, NM_001329945.2, NM_001364700.1 and 1 more transcripts); c.3267G>T, p.Leu1089Phe (NM_001244192.2); c.2979G>T, p.Leu993Phe (NM_001244193.2); c.3399G>T, p.Leu1133Phe (NM_001329944.2, NM_001329946.2, NM_001329947.2); c.3171G>T, p.Leu1057Phe (NM_014749.5); c.3171G>T (NM_014749.3); short protein forms L1057F, L1186F, L1089F, L1133F, L1048F, L1118F, L993F.
Identifiers: ClinVar variation 1395217 (VCV001395217.7), dbSNP rs1409454378, ClinGen allele CA389881869.